The following is an entry in ClinVar:

NM_021625.5(TRPV4):c.629T>C (p.Ile210Thr)

Gene: TRPV4 (transient receptor potential cation channel subfamily V member 4; minus strand). Cytogenetic location: 12q24.11.
Variant type: single nucleotide variant.
Coding change: c.629T>C on transcript NM_021625.5 (MANE Select); coding-DNA position 629, T replaced by C.
Protein change: p.Ile210Thr; replaces isoleucine 210 with threonine.
Molecular consequence: missense variant.
Genome position (GRCh38, 1-based): chr12:109,803,074, A>G on the plus strand (T>C on the coding strand, the complement: TRPV4 is on the minus strand). VCF-style: chr12-109803074-A-G. GRCh37 (hg19) VCF-style: chr12-110240879-A-G.
Other names: c.629T>C, p.Ile210Thr (NM_001177428.2, NM_001177433.2, NM_147204.3); c.527T>C, p.Ile176Thr (NM_001177431.2); short protein forms I210T, I176T.
Identifiers: ClinVar variation 4191965 (VCV004191965.3).

ClinVar aggregate classification (germline): Conflicting classifications of pathogenicity. Review status: criteria provided, conflicting classifications (1 of 4 stars). 3 submissions from 3 submitters: Uncertain significance (2); Likely benign (1). Last evaluated 2025-12-13.

Conditions:
Charcot-Marie-Tooth disease axonal type 2C (HMSN2C). Also called: CHARCOT-MARIE-TOOTH DISEASE, AXONAL, AUTOSOMAL DOMINANT, TYPE 2C; Charcot-Marie-Tooth Neuropathy Type 2C; Charcot-Marie-Tooth Disease Type 2, TRPV4-Related (CMT2C). Identifiers: Orphanet 99937, MedGen C1853710, MONDO:0011633, OMIM 606071.
Inborn genetic diseases. Identifiers: MedGen C0950123, MeSH D030342.

gnomAD v4.1: 5 of 1,614,200 alleles (0.00031%); highest among the groups gnomAD compares: Admixed American, 0.0083%; no homozygotes.

Submissions (3):

Labcorp Genetics (formerly Invitae), Labcorp
Classification: Uncertain significance for Charcot-Marie-Tooth disease axonal type 2C. Last evaluated: 2025-12-13. Review status: criteria provided, single submitter. Criteria: Invitae Variant Classification Sherloc (09022015). Collection method: clinical testing. Allele origin: germline.
Comment: This sequence change replaces isoleucine, which is neutral and non-polar, with threonine, which is neutral and polar, at codon 210 of the TRPV4 protein (p.Ile210Thr). This variant is present in population databases (rs781561297, gnomAD 0.009%). This variant has not been reported in the literature in individuals affected with TRPV4-related conditions. ClinVar contains an entry for this variant (Variation ID: 4191965). Invitae Evidence Modeling of protein sequence and biophysical properties (such as structural, functional, and spatial information, amino acid conservation, physicochemical variation, residue mobility, and thermodynamic stability) has been performed for this missense variant. However, the output from this modeling did not meet the statistical confidence thresholds required to predict the impact of this variant on TRPV4 protein function. In summary, the available evidence is currently insufficient to determine the role of this variant in disease. Therefore, it has been classified as a Variant of Uncertain Significance.

3billion
Classification: Uncertain significance for Charcot-Marie-Tooth disease axonal type 2C. Last evaluated: 2025-12-11. Review status: criteria provided, single submitter. Criteria: ACMG Guidelines, 2015. Collection method: clinical testing. Allele origin: germline. Affected: yes.
Comment: The variant is observed at an extremely low frequency in the gnomAD v4.1.0 dataset (total allele frequency: <0.001%). Predicted Consequence/Location: Missense variant. Missense changes are a common disease-causing mechanism. In silico tool predictions suggest damaging effect of the variant on gene or gene product [REVEL: 0.92 (>=0.6, sensitivity 0.68 and specificity 0.92)]. The variant has been reported as benign without evidence for the classification (ClinVar ID: VCV004191965). Therefore, this variant is classified as VUS according to the recommendation of ACMG/AMP guideline.

Ambry Genetics
Classification: Likely benign for Inborn genetic diseases. Last evaluated: 2025-07-31. Review status: criteria provided, single submitter. Criteria: Ambry Variant Classification Scheme 2023. Collection method: clinical testing. Allele origin: germline.